The following is an entry in ClinVar:

NM_001291303.3(FAT4):c.11820A>G (p.Ser3940=)

Gene: FAT4 (FAT atypical cadherin 4; plus strand). Cytogenetic location: 4q28.1.
Variant type: single nucleotide variant.
Coding change: c.11820A>G on transcript NM_001291303.3 (MANE Select); coding-DNA position 11820, A replaced by G.
Protein change: p.Ser3940=; no amino-acid change (serine 3940 retained).
Molecular consequence: synonymous variant.
Genome position (GRCh38, 1-based): chr4:125,463,582, A>G. VCF-style: chr4-125463582-A-G. GRCh37 (hg19) VCF-style: chr4-126384737-A-G.
Other names: c.11820A>G, p.Ser3940= (NM_001291285.3); c.11814A>G, p.Ser3938= (NM_024582.6).
Identifiers: ClinVar variation 384300 (VCV000384300.9), dbSNP rs17009721, ClinGen allele CA3073934.

ClinVar aggregate classification (germline): Benign. Review status: criteria provided, multiple submitters, no conflicts (2 of 4 stars). 4 submissions from 4 submitters: Benign (4). Last evaluated 2026-02-02.

Allele frequency attached by ClinVar (database versions not stated): gnomAD 0.02512 and 0.02714; ESP Exome Variant Server 0.02612; 1000 Genomes Project 0.02835; TOPMed 0.02838; 1000 Genomes Project 30x 0.02858.
gnomAD v4.1: 7,331 of 1,585,638 alleles (0.46%); highest among the groups gnomAD compares: African/African-American, 8.8%; 300 homozygotes.

Submissions (4):

Labcorp Genetics (formerly Invitae), Labcorp
Classification: Benign. Last evaluated: 2026-02-02. Review status: criteria provided, single submitter. Criteria: Invitae Variant Classification Sherloc (09022015). Collection method: clinical testing. Allele origin: germline.

ARUP Laboratories, Molecular Genetics and Genomics, ARUP Laboratories
Classification: Benign. Last evaluated: 2023-11-29. Review status: criteria provided, single submitter. Criteria: ARUP Molecular Germline Variant Investigation Process 2024. Collection method: clinical testing. Allele origin: germline.

GeneDx
Classification: Benign. Last evaluated: 2016-05-25. Review status: criteria provided, single submitter. Criteria: GeneDx Variant Classification (06012015). Collection method: clinical testing. Allele origin: germline. Affected: yes.
Comment: This variant is considered likely benign or benign based on one or more of the following criteria: it is a conservative change, it occurs at a poorly conserved position in the protein, it is predicted to be benign by multiple in silico algorithms, and/or has population frequency not consistent with disease.

Breakthrough Genomics
Classification: Benign. Review status: criteria provided, single submitter. Criteria: ACMG Guidelines, 2015. Collection method: not provided. Allele origin: germline. Inheritance: Autosomal recessive inheritance. Affected: yes.